The following is an entry in ClinVar:

ClinVar aggregate classification (germline): Uncertain significance (1 of 4 stars; one submission).

Conditions:
Heterotaxy, visceral, 7, autosomal (HTX7). Identifiers: Orphanet 450, MedGen C4225217, MONDO:0014762, OMIM 616749.

gnomAD v4.1: 2 of 1,613,922 alleles (0.00012%); highest among the groups gnomAD compares: African/African-American, 0.0013%; no homozygotes.

Submission:

Clinical Genomics Laboratory, Washington University in St. Louis
Classification: Uncertain significance for Heterotaxy, visceral, 7, autosomal. Last evaluated: 2025-06-04. Review status: criteria provided, single submitter. Criteria: ACMG Guidelines, 2015. Collection method: clinical testing. Allele origin: germline.
Comment: The MMP21 c.281G>C (p.Arg94Pro) variant has been reported in one individual affected with right-sided stomach, pulmonary atresia, univentricular heart, and ventricular septal defect, who was compound heterozygous for this variant and a pathogenic or likely pathogenic variant confirmed in trans (Westphal DS et al., PMID: 30868567). This variant has been reported in the ClinVar database as a germline likely pathogenic variant by one submitter. The highest population minor allele frequency in the population database genome aggregation database (v.4.1.0) is 0.05% in the Ashkenazi Jewish population. Computational predictors suggest that the variant does not impact MMP21 function. Due to limited information, and based on ACMG/AMP guidelines for variant interpretation (Richards S et al., PMID: 25741868), the clinical significance of this variant is uncertain at this time.The MMP21 c.727G>T (p.Asp243Tyr) variant, to our knowledge, has not been reported in the medical literature. This variant is only observed on 2/1,613,922 alleles in the general population (gnomAD v.4.1.0), indicating it is not a common variant. Computational predictors are uncertain as to the impact of this variant on MMP21 function. Due to limited information, and based on ACMG/AMP guidelines for variant interpretation (Richards S et al., PMID: 25741868), the clinical significance of this variant is uncertain at this time.

NM_147191.1(MMP21):c.727G>T (p.Asp243Tyr)

Gene: MMP21 (matrix metallopeptidase 21; minus strand). Cytogenetic location: 10q26.2.
Variant type: single nucleotide variant.
Coding change: c.727G>T on transcript NM_147191.1 (MANE Select); coding-DNA position 727, G replaced by T.
Protein change: p.Asp243Tyr; replaces aspartic acid 243 with tyrosine.
Molecular consequence: missense variant.
Genome position (GRCh38, 1-based): chr10:125,772,721, C>A on the plus strand (G>T on the coding strand, the complement: MMP21 is on the minus strand). VCF-style: chr10-125772721-C-A. GRCh37 (hg19) VCF-style: chr10-127461290-C-A.
Other names: short protein forms D243Y.
Identifiers: ClinVar variation 4279807 (VCV004279807.1).
Genomic context (GRCh38, chr10:125,772,721, plus strand): 5'-CGTCGTCAAAGTGAATGTCACCTAGGCGCCAGGCGTGTGCAAACTCCTGCCCGCTCCCAT[C>A]GAAGGCCCGCGGACAGCCCAGGTGCCGGCCTGGCGAGGGGGAGGAGGAGTTGGTCCCGGT-3'
Protein context (NP_671724.1, residues 233-253): GRHLGCPRAF[Asp243Tyr]GSGQEFAHAW